The following is an entry in ClinVar:

ClinVar aggregate classification (germline): Uncertain significance (1 of 4 stars; one submission).

Allele frequency attached by ClinVar (database versions not stated): gnomAD exomes below 0.00001; ExAC 0.00001; gnomAD 0.00001.

Submission:

Labcorp Genetics (formerly Invitae), Labcorp
Classification: Uncertain significance. Last evaluated: 2025-10-14. Review status: criteria provided, single submitter. Criteria: Invitae Variant Classification Sherloc (09022015). Collection method: clinical testing. Allele origin: germline.
Comment: This variant, c.1057_1074dup, results in the insertion of 6 amino acid(s) of the COL9A2 protein (p.Glu353_Gly358dup), but otherwise preserves the integrity of the reading frame. This variant is present in population databases (rs779859484, gnomAD 0.01%). This variant has not been reported in the literature in individuals affected with COL9A2-related conditions. ClinVar contains an entry for this variant (Variation ID: 2191573). In summary, the available evidence is currently insufficient to determine the role of this variant in disease. Therefore, it has been classified as a Variant of Uncertain Significance.

NM_001852.4(COL9A2):c.1057_1074dup (p.Gly358_Leu359insGluProGlyProGlnGly)

Gene: COL9A2 (collagen type IX alpha 2 chain; minus strand). Cytogenetic location: 1p34.2.
Variant type: Duplication.
Coding change: c.1057_1074dup on transcript NM_001852.4 (MANE Select); coding-DNA positions 1057 to 1074, 18 bases duplicated (GAGCCGGGCCCGCAGGGC).
Protein change: p.Gly358_Leu359insGluProGlyProGlnGly.
Molecular consequence: inframe insertion.
Genome position (GRCh38, 1-based): chr1:40,305,748-40,305,765, GCCCTGCGGGCCCGGCTC duplicated on the plus strand (GAGCCGGGCCCGCAGGGC on the coding strand, the reverse complement: COL9A2 is on the minus strand). VCF-style (leftmost placement, unchanged base first): chr1-40305747-G-GGCCCTGCGGGCCCGGCTC. GRCh37 (hg19) VCF-style: chr1-40771419-G-GGCCCTGCGGGCCCGGCTC.
Identifiers: ClinVar variation 2191573 (VCV002191573.4), dbSNP rs779859484, ClinGen allele CA791598.